The following is an entry in ClinVar:

NM_001363711.2(DUOX2):c.1021C>A (p.Pro341Thr)

Gene: DUOX2 (dual oxidase 2; minus strand). Cytogenetic location: 15q21.1.
Variant type: single nucleotide variant.
Coding change: c.1021C>A on transcript NM_001363711.2 (MANE Select); coding-DNA position 1021, C replaced by A.
Protein change: p.Pro341Thr; replaces proline 341 with threonine.
Molecular consequence: missense variant.
Genome position (GRCh38, 1-based): chr15:45,110,447, G>T on the plus strand (C>A on the coding strand, the complement: DUOX2 is on the minus strand). VCF-style: chr15-45110447-G-T. GRCh37 (hg19) VCF-style: chr15-45402645-G-T.
Other names: c.1021C>A, p.Pro341Thr (NM_014080.5); short protein forms P341T.
Identifiers: ClinVar variation 3629269 (VCV003629269.2).
Genomic context (GRCh38, chr15:45,110,447, plus strand): 5'-TTTCTTAGTGTGGTGCCCCTCTCTGCCAACCCCTCCCTCACCTCATGTAGACACCAGGGG[G>T]CACCATGGTAGAGAAGAACTGCTCAGAGGCCACCACAAATTCCGGGGAGATGCTGGGGTC-3'
Protein context (NP_001350640.1, residues 331-351): ASEQFFSTMV[Pro341Thr]PGVYMRNASC

ClinVar aggregate classification (germline): Uncertain significance (1 of 4 stars; one submission).

gnomAD v4.1: 6 of 1,613,860 alleles (0.00037%); highest among the groups gnomAD compares: African/African-American, 0.0027%; no homozygotes.

Submission:

Labcorp Genetics (formerly Invitae), Labcorp
Classification: Uncertain significance. Last evaluated: 2025-10-10. Review status: criteria provided, single submitter. Criteria: Invitae Variant Classification Sherloc (09022015). Collection method: clinical testing. Allele origin: germline.
Comment: This sequence change replaces proline, which is neutral and non-polar, with threonine, which is neutral and polar, at codon 341 of the DUOX2 protein (p.Pro341Thr). This variant is present in population databases (no rsID available, gnomAD 0.007%). This variant has not been reported in the literature in individuals affected with DUOX2-related conditions. ClinVar contains an entry for this variant (Variation ID: 3629269). Invitae Evidence Modeling of protein sequence and biophysical properties (such as structural, functional, and spatial information, amino acid conservation, physicochemical variation, residue mobility, and thermodynamic stability) has been performed for this missense variant. However, the output from this modeling did not meet the statistical confidence thresholds required to predict the impact of this variant on DUOX2 protein function. In summary, the available evidence is currently insufficient to determine the role of this variant in disease. Therefore, it has been classified as a Variant of Uncertain Significance.